The following is an entry in ClinVar:

NM_206933.4(USH2A):c.12569T>C (p.Val4190Ala)

Gene: USH2A (usherin; minus strand). Cytogenetic location: 1q41.
Variant type: single nucleotide variant.
Coding change: c.12569T>C on transcript NM_206933.4 (MANE Select); coding-DNA position 12569, T replaced by C.
Protein change: p.Val4190Ala; replaces valine 4190 with alanine.
Molecular consequence: missense variant.
Genome position (GRCh38, 1-based): chr1:215,675,342, A>G on the plus strand (T>C on the coding strand, the complement: USH2A is on the minus strand). VCF-style: chr1-215675342-A-G. GRCh37 (hg19) VCF-style: chr1-215848684-A-G.
Other names: short protein forms V4190A.
Identifiers: ClinVar variation 1469637 (VCV001469637.10), dbSNP rs979037444, ClinGen allele CA37413100.

ClinVar aggregate classification (germline): Pathogenic/Likely pathogenic. Review status: criteria provided, multiple submitters, no conflicts (2 of 4 stars). 3 submissions from 3 submitters: Pathogenic (1); Likely pathogenic (2). Last evaluated 2025-07-21.

Conditions:
USH2A-related disorder. Also called: USH2A-related disorders; USH2A-related condition. Identifiers: MedGen CN239332.
Retinitis pigmentosa 39 (RP39). Identifiers: Orphanet 791, MedGen C3151138, MONDO:0013436, OMIM 613809.

Submissions (3):

Labcorp Genetics (formerly Invitae), Labcorp
Classification: Likely pathogenic. Last evaluated: 2025-07-21. Review status: criteria provided, single submitter. Criteria: Invitae Variant Classification Sherloc (09022015). Collection method: clinical testing. Allele origin: germline.
Comment: This sequence change replaces valine, which is neutral and non-polar, with alanine, which is neutral and non-polar, at codon 4190 of the USH2A protein (p.Val4190Ala). This variant is not present in population databases (gnomAD no frequency). This missense change has been observed in individual(s) with retinitis pigmentosa (PMID: 27032803, 30948794). In at least one individual the data is consistent with being in trans (on the opposite chromosome) from a pathogenic variant. It has also been observed to segregate with disease in related individuals. ClinVar contains an entry for this variant (Variation ID: 1469637). Invitae Evidence Modeling of protein sequence and biophysical properties (such as structural, functional, and spatial information, amino acid conservation, physicochemical variation, residue mobility, and thermodynamic stability) has been performed for this missense variant. However, the output from this modeling did not meet the statistical confidence thresholds required to predict the impact of this variant on USH2A protein function. This variant disrupts the p.Val4190 amino acid residue in USH2A. Other variant(s) that disrupt this residue have been observed in individuals with USH2A-related conditions (PMID: 28157192), which suggests that this may be a clinically significant amino acid residue. In summary, the currently available evidence indicates that the variant is pathogenic, but additional data are needed to prove that conclusively. Therefore, this variant has been classified as Likely Pathogenic.

Baylor Genetics
Classification: Likely pathogenic for Retinitis pigmentosa 39. Last evaluated: 2024-02-24. Review status: criteria provided, single submitter. Criteria: ACMG Guidelines, 2015. Collection method: clinical testing. Allele origin: unknown.

Blueprint Genetics
Classification: Pathogenic for USH2A-related disorders. Last evaluated: 2021-09-07. Review status: criteria provided, single submitter. Criteria: ACMG Guidelines, 2015. Collection method: clinical testing. Allele origin: germline. Affected: yes. Observed: 1 variant allele.

Literature cited by the submitters: PubMed 27032803 (cited by Labcorp Genetics (formerly Invitae), Labcorp); PubMed 30948794 (cited by Labcorp Genetics (formerly Invitae), Labcorp); PubMed 28157192 (cited by Labcorp Genetics (formerly Invitae), Labcorp).